The following is an entry in ClinVar:

ClinVar aggregate classification (germline): Pathogenic (1 of 4 stars; one submission).

Conditions:
Autosomal recessive limb-girdle muscular dystrophy type 2U. Also called: Muscular dystrophy-dystroglycanopathy (limb-girdle), type c, 7; MUSCULAR DYSTROPHY, LIMB-GIRDLE, TYPE 2U. Identifiers: Orphanet 352479, MedGen C5190987, MONDO:0014474, OMIM 616052.
Muscular dystrophy-dystroglycanopathy (congenital with brain and eye anomalies), type A, 7. Also called: WALKER-WARBURG SYNDROME OR MUSCLE-EYE-BRAIN DISEASE, ISPD-RELATED; Congenital muscular dystrophy-dystroglycanopathy with brain and eye anomalies, type A7. Identifiers: Orphanet 899, MedGen C3553330, MONDO:0013835, OMIM 614643.

Submission:

Labcorp Genetics (formerly Invitae), Labcorp
Classification: Pathogenic for Muscular dystrophy-dystroglycanopathy (congenital with brain and eye anomalies), type A, 7; Autosomal recessive limb-girdle muscular dystrophy type 2U. Last evaluated: 2024-01-22. Review status: criteria provided, single submitter. Criteria: Invitae Variant Classification Sherloc (09022015). Collection method: clinical testing. Allele origin: unknown.
Comment: This variant is a gross deletion of the genomic region encompassing exon(s) 3-8 of the ISPD gene. This variant would be expected to be in-frame, preserving the integrity of the reading frame. This variant has not been reported in the literature in individuals affected with ISPD-related conditions. This variant disrupts a region of the ISPD protein in which other variant(s) (p.Val372del) have been determined to be pathogenic (PMID: 23288328, 23390185, 27234031, 31127727). This suggests that this is a clinically significant region of the protein, and that variants that disrupt it are likely to be disease-causing. For these reasons, this variant has been classified as Pathogenic.

Literature cited by the submitters: PubMed 23288328; PubMed 23390185; PubMed 27234031; PubMed 31127727.

NC_000007.13:g.(?_16297995)_(16415886_?)del

Gene: CRPPA (CDP-L-ribitol pyrophosphorylase A; minus strand). Cytogenetic location: 7p21.2.
Variant type: Deletion.
Identifiers: ClinVar variation 3245804 (VCV003245804.1).